The following is an entry in ClinVar:

NM_000552.5(VWF):c.1945+1G>T

Gene: VWF (von Willebrand factor; minus strand). Cytogenetic location: 12p13.31.
Variant type: single nucleotide variant.
Coding change: c.1945+1G>T on transcript NM_000552.5 (MANE Select); the canonical splice donor site of the intron after coding-DNA position 1945, G replaced by T.
Molecular consequence: splice donor variant.
Genome position (GRCh38, 1-based): chr12:6,056,856, C>A on the plus strand (G>T on the coding strand, the complement: VWF is on the minus strand). VCF-style: chr12-6056856-C-A. GRCh37 (hg19) VCF-style: chr12-6166022-C-A.
Identifiers: ClinVar variation 1065251 (VCV001065251.3), dbSNP rs2136454057, ClinGen allele CA383496852.

ClinVar aggregate classification (germline): Uncertain significance (0 of 4 stars; one submission).

Conditions:
von Willebrand disease type 3 (VWD3). Also called: Type 3 Von Willebrand's disease; Type 3 VWD; Von Willebrand disease, severe form; V WD3; VON WILLEBRAND DISEASE, TYPE III. Identifiers: Orphanet 166096, MedGen C1264041, MONDO:0010191, OMIM 277480.

Submission:

Angelo Bianchi Bonomi Hemophilia and Thrombosis Center, Fondazione IRCCS Ca Granda Ospedale Maggiore Policlinico
Classification: Uncertain significance for von Willebrand disease type 3. Last evaluated: 2020-11-01. Review status: no assertion criteria provided. Collection method: clinical testing. Allele origin: germline. Affected: yes. Study: Type 3 Von Willebrand International Registries Inhibitor Prospective Study (3WINTERS-IPS).
Comment: ClinGen Pathogenicity Calculator